The following is an entry in ClinVar:

NM_000260.4(MYO7A):c.4070C>T (p.Pro1357Leu)

Gene: MYO7A (myosin VIIA; plus strand). Cytogenetic location: 11q13.5.
Variant type: single nucleotide variant.
Coding change: c.4070C>T on transcript NM_000260.4 (MANE Select); coding-DNA position 4070, C replaced by T.
Protein change: p.Pro1357Leu; replaces proline 1357 with leucine.
Molecular consequence: missense variant.
Genome position (GRCh38, 1-based): chr11:77,192,196, C>T. VCF-style: chr11-77192196-C-T. GRCh37 (hg19) VCF-style: chr11-76903241-C-T.
Other names: c.4070C>T, p.Pro1357Leu (NM_001127180.2); c.4037C>T, p.Pro1346Leu (NM_001369365.1); short protein forms P1346L, P1357L.
Identifiers: ClinVar variation 2832408 (VCV002832408.3), dbSNP rs2497412264, ClinGen allele CA381948882.

ClinVar aggregate classification (germline): Uncertain significance (1 of 4 stars; one submission).

Submission:

Labcorp Genetics (formerly Invitae), Labcorp
Classification: Uncertain significance. Last evaluated: 2023-12-19. Review status: criteria provided, single submitter. Criteria: Invitae Variant Classification Sherloc (09022015). Collection method: clinical testing. Allele origin: germline.
Comment: This sequence change replaces proline, which is neutral and non-polar, with leucine, which is neutral and non-polar, at codon 1357 of the MYO7A protein (p.Pro1357Leu). This variant is not present in population databases (gnomAD no frequency). This variant has not been reported in the literature in individuals affected with MYO7A-related conditions. Advanced modeling of protein sequence and biophysical properties (such as structural, functional, and spatial information, amino acid conservation, physicochemical variation, residue mobility, and thermodynamic stability) has been performed at Invitae for this missense variant, however the output from this modeling did not meet the statistical confidence thresholds required to predict the impact of this variant on MYO7A protein function. In summary, the available evidence is currently insufficient to determine the role of this variant in disease. Therefore, it has been classified as a Variant of Uncertain Significance.